The following is an entry in ClinVar:

NM_000540.3(RYR1):c.4305C>T (p.Ser1435=)

Gene: RYR1 (ryanodine receptor 1; plus strand). Cytogenetic location: 19q13.2.
Variant type: single nucleotide variant.
Coding change: c.4305C>T on transcript NM_000540.3 (MANE Select); coding-DNA position 4305, C replaced by T.
Protein change: p.Ser1435=; no amino-acid change (serine 1435 retained).
Molecular consequence: synonymous variant.
Genome position (GRCh38, 1-based): chr19:38,477,721, C>T. VCF-style: chr19-38477721-C-T. GRCh37 (hg19) VCF-style: chr19-38968361-C-T.
Other names: p.Ser1435=; c.4305C>T, p.Ser1435= (NM_001042723.2).
Identifiers: ClinVar variation 783200 (VCV000783200.17), dbSNP rs199864631, ClinGen allele CA065924.

ClinVar aggregate classification (germline): Likely benign. Review status: criteria provided, multiple submitters, no conflicts (2 of 4 stars). 3 submissions from 3 submitters: Likely benign (3). Last evaluated 2025-11-01.

Conditions:
Malignant hyperthermia, susceptibility to, 1 (MHS1). Also called: Anesthesia related hyperthermia; Malignant hyperpyrexia; Fulminating hyperpyrexia; Pharmacogenic myopathy; Malignant hyperthermia suceptibility 1; RYR1-Related Malignant Hyperthermia Susceptibility. Identifiers: Orphanet 423, MedGen C2930980, MONDO:0007783, OMIM 145600.
RYR1-related disorder. Also called: RYR1-related disorders; RYR1-related condition. Identifiers: MedGen CN239331.

Allele frequency attached by ClinVar (database versions not stated): gnomAD 0.00002; gnomAD exomes 0.00004 and 0.00006; TOPMed 0.00004; ExAC 0.00006.
gnomAD v4.1: 63 of 1,614,026 alleles (0.0039%); highest among the groups gnomAD compares: East Asian, 0.11%; no homozygotes.

Submissions (3):

Mayo Clinic Laboratories, Mayo Clinic
Classification: Likely benign. Last evaluated: 2025-11-01. Review status: criteria provided, single submitter. Criteria: ACMG Guidelines, 2015. Collection method: clinical testing. Allele origin: germline. Observed: 1 variant allele.
Comment: BP4, BP7

Labcorp Genetics (formerly Invitae), Labcorp
Classification: Likely benign for RYR1-related disorder. Last evaluated: 2025-01-23. Review status: criteria provided, single submitter. Criteria: Invitae Variant Classification Sherloc (09022015). Collection method: clinical testing. Allele origin: germline.

Color Diagnostics, LLC DBA Color Health
Classification: Likely benign for Malignant hyperthermia, susceptibility to, 1. Last evaluated: 2022-12-22. Review status: criteria provided, single submitter. Criteria: ACMG Guidelines, 2015. Collection method: clinical testing. Allele origin: germline.